The following is an entry in ClinVar:

ClinVar aggregate classification (germline): Uncertain significance (1 of 4 stars; one submission).

Conditions:
Inborn genetic diseases. Identifiers: MedGen C0950123, MeSH D030342.

Submission:

Ambry Genetics
Classification: Uncertain significance for Inborn genetic diseases. Last evaluated: 2022-03-04. Review status: criteria provided, single submitter. Criteria: Ambry Variant Classification Scheme 2023. Collection method: clinical testing. Allele origin: germline.
Comment: The p.R545G variant (also known as c.1633C>G), located in coding exon 11 of the LTBP3 gene, results from a C to G substitution at nucleotide position 1633. The arginine at codon 545 is replaced by glycine, an amino acid with dissimilar properties. This amino acid position is conserved. In addition, the in silico prediction for this alteration is inconclusive. Since supporting evidence is limited at this time, the clinical significance of this alteration remains unclear.

NM_001130144.3(LTBP3):c.1633C>G (p.Arg545Gly)

Gene: LTBP3 (latent transforming growth factor beta binding protein 3; minus strand). Cytogenetic location: 11q13.1.
Variant type: single nucleotide variant.
Coding change: c.1633C>G on transcript NM_001130144.3 (MANE Select); coding-DNA position 1633, C replaced by G.
Protein change: p.Arg545Gly; replaces arginine 545 with glycine.
Molecular consequence: missense variant.
Genome position (GRCh38, 1-based): chr11:65,551,213, G>C on the plus strand (C>G on the coding strand, the complement: LTBP3 is on the minus strand). VCF-style: chr11-65551213-G-C. GRCh37 (hg19) VCF-style: chr11-65318684-G-C.
Other names: c.1282C>G, p.Arg428Gly (NM_001164266.1); c.1633C>G, p.Arg545Gly (NM_021070.4); short protein forms R428G, R545G.
Identifiers: ClinVar variation 1776875 (VCV001776875.2), dbSNP rs2496165455, ClinGen allele CA381272795.